The following is an entry in ClinVar:

NC_000022.10:g.(?_34046333)_(34046674_?)del

Gene: LARGE1 (LARGE xylosyl- and glucuronyltransferase 1; minus strand). Cytogenetic location: 22q12.3.
Variant type: Deletion.
Identifiers: ClinVar variation 3247613 (VCV003247613.1).

ClinVar aggregate classification (germline): Pathogenic (1 of 4 stars; one submission).

Conditions:
Muscular dystrophy-dystroglycanopathy type B6 (MDDGB6). Also called: MUSCULAR DYSTROPHY-DYSTROGLYCANOPATHY (CONGENITAL WITH IMPAIRED INTELLECTUAL DEVELOPMENT), TYPE B, 6; MUSCULAR DYSTROPHY, CONGENITAL, LARGE-RELATED; MUSCULAR DYSTROPHY, CONGENITAL, TYPE 1D. Identifiers: MedGen C1837229, MONDO:0012138, OMIM 608840.

Submission:

Labcorp Genetics (formerly Invitae), Labcorp
Classification: Pathogenic for Muscular dystrophy-dystroglycanopathy type B6. Last evaluated: 2023-08-24. Review status: criteria provided, single submitter. Criteria: Invitae Variant Classification Sherloc (09022015). Collection method: clinical testing. Allele origin: unknown.
Comment: For these reasons, this variant has been classified as Pathogenic. A similar copy number variant has been observed in individual(s) with LARGE1-related conditions (PMID: 21727005). This variant is a gross deletion of the genomic region encompassing exon(s) 4 of the LARGE1 gene. This deletion is out-of-frame, and is expected to create a premature termination codon and result in an absent or disrupted protein product. Loss-of-function variants in LARGE1 are known to be pathogenic (PMID: 12966029, 17878207).

Literature cited by the submitters: PubMed 21727005; PubMed 12966029; PubMed 17878207.